The following is an entry in ClinVar:

NM_001379500.1(COL18A1):c.3537G>A (p.Met1179Ile)

Genes: COL18A1 (collagen type XVIII alpha 1 chain; plus strand), SLC19A1 (solute carrier family 19 member 1; minus strand). Cytogenetic location: 21q22.3.
Variant type: single nucleotide variant.
Coding change: c.3537G>A on transcript NM_001379500.1 (MANE Select); coding-DNA position 3537, G replaced by A.
Protein change: p.Met1179Ile; replaces methionine 1179 with isoleucine.
Molecular consequence: missense variant.
Genome position (GRCh38, 1-based): chr21:45,510,105, G>A. VCF-style: chr21-45510105-G-A. GRCh37 (hg19) VCF-style: chr21-46930019-G-A.
Other names: c.4068G>A, p.Met1356Ile (NM_030582.4); c.4773G>A, p.Met1591Ile (NM_130444.3); short protein forms M1179I, M1356I, M1591I.
Identifiers: ClinVar variation 2060572 (VCV002060572.4), dbSNP rs373470254, ClinGen allele CA410501525.

ClinVar aggregate classification (germline): Uncertain significance (1 of 4 stars; one submission).

gnomAD v4.1: 1 of 1,593,394 alleles (0.000063%); highest among the groups gnomAD compares: Non-Finnish European, 0.000085%; no homozygotes.

Submission:

Labcorp Genetics (formerly Invitae), Labcorp
Classification: Uncertain significance. Last evaluated: 2021-12-25. Review status: criteria provided, single submitter. Criteria: Invitae Variant Classification Sherloc (09022015). Collection method: clinical testing. Allele origin: germline.
Comment: This variant has not been reported in the literature in individuals affected with COL18A1-related conditions. This sequence change replaces methionine, which is neutral and non-polar, with isoleucine, which is neutral and non-polar, at codon 1176 of the COL18A1 protein (p.Met1176Ile). The frequency data for this variant in the population databases is considered unreliable, as metrics indicate poor data quality at this position in the gnomAD database. Experimental studies and prediction algorithms are not available or were not evaluated, and the functional significance of this variant is currently unknown. In summary, the available evidence is currently insufficient to determine the role of this variant in disease. Therefore, it has been classified as a Variant of Uncertain Significance.